The following is an entry in ClinVar:

NM_004006.3(DMD):c.9204C>G (p.Asn3068Lys)

Gene: DMD (dystrophin; minus strand). Cytogenetic location: Xp21.2.
Variant type: single nucleotide variant.
Coding change: c.9204C>G on transcript NM_004006.3 (MANE Select); coding-DNA position 9204, C replaced by G.
Protein change: p.Asn3068Lys; replaces asparagine 3068 with lysine.
Molecular consequence: missense variant.
Genome position (GRCh38, 1-based): chrX:31,323,618, G>C on the plus strand (C>G on the coding strand, the complement: DMD is on the minus strand). VCF-style: chrX-31323618-G-C. GRCh37 (hg19) VCF-style: chrX-31341735-G-C.
Other names: c.9180C>G, p.Asn3060Lys (NM_000109.4); c.9192C>G, p.Asn3064Lys (NM_004009.3); c.8835C>G, p.Asn2945Lys (NM_004010.3); c.5181C>G, p.Asn1727Lys (NM_004011.4); c.5172C>G, p.Asn1724Lys (NM_004012.4); c.1824C>G, p.Asn608Lys (NM_004013.3, NM_004020.4, NM_004021.3 and 2 more transcripts); c.1017C>G, p.Asn339Lys (NM_004014.3); short protein forms N1724K, N608K, N339K, N1727K, N3060K, N3064K, N2945K, N3068K.
Identifiers: ClinVar variation 2814151 (VCV002814151.3), dbSNP rs2148296955, ClinGen allele CA412651626.

ClinVar aggregate classification (germline): Uncertain significance (1 of 4 stars; one submission).

Conditions:
Duchenne muscular dystrophy (DMD). Also called: MUSCULAR DYSTROPHY, PSEUDOHYPERTROPHIC PROGRESSIVE, DUCHENNE TYPE; Duchenne Muscular Dystrophy (DMD). Identifiers: Orphanet 98896, MedGen C0013264, MONDO:0010679, OMIM 310200.

Submission:

Labcorp Genetics (formerly Invitae), Labcorp
Classification: Uncertain significance for Duchenne muscular dystrophy. Last evaluated: 2022-11-14. Review status: criteria provided, single submitter. Criteria: Invitae Variant Classification Sherloc (09022015). Collection method: clinical testing. Allele origin: germline.
Comment: This sequence change replaces asparagine, which is neutral and polar, with lysine, which is basic and polar, at codon 3068 of the DMD protein (p.Asn3068Lys). This variant is not present in population databases (gnomAD no frequency). This variant has not been reported in the literature in individuals affected with DMD-related conditions. Advanced modeling of protein sequence and biophysical properties (such as structural, functional, and spatial information, amino acid conservation, physicochemical variation, residue mobility, and thermodynamic stability) performed at Invitae indicates that this missense variant is not expected to disrupt DMD protein function. In summary, the available evidence is currently insufficient to determine the role of this variant in disease. Therefore, it has been classified as a Variant of Uncertain Significance.